The following is an entry in ClinVar:

ClinVar aggregate classification (germline): Likely pathogenic (1 of 4 stars; one submission).

Conditions:
Nemaline myopathy 2 (NEM2). Also called: Nemaline myopathy 2, autosomal recessive. Identifiers: MedGen C1850569, MONDO:0009725, OMIM 256030.

Submission:

Myriad Genetics, Inc.
Classification: Likely pathogenic for Nemaline myopathy 2. Last evaluated: 2022-01-28. Review status: criteria provided, single submitter. Criteria: Myriad Women's Health Autosomal Recessive and X-Linked Classification Criteria (2021). Collection method: clinical testing. Allele origin: unknown.
Comment: NM_001271208.1(NEB):c.6208A>T(K2070*) is expected to be pathogenic in the context of NEB-related nemaline myopathy. This variant is predicted to lead to an abnormal or absent protein product due to the creation of a premature termination codon in NEB, a gene where loss-of-function variants are known to be pathogenic. Please note: this variant was assessed in the context of healthy population screening.

NM_001164508.2(NEB):c.6208A>T (p.Lys2070Ter)

Gene: NEB (nebulin; minus strand). Cytogenetic location: 2q23.3.
Variant type: single nucleotide variant.
Coding change: c.6208A>T on transcript NM_001164508.2 (MANE Select); coding-DNA position 6208, A replaced by T.
Protein change: p.Lys2070Ter; replaces lysine 2070 with a stop codon.
Molecular consequence: nonsense.
Genome position (GRCh38, 1-based): chr2:151,656,440, T>A on the plus strand (A>T on the coding strand, the complement: NEB is on the minus strand). VCF-style: chr2-151656440-T-A. GRCh37 (hg19) VCF-style: chr2-152512954-T-A.
Other names: c.6208A>T, p.Lys2070Ter (NM_001164507.2, NM_001271208.2, NM_004543.5); short protein forms K2070*.
Identifiers: ClinVar variation 1724159 (VCV001724159.2), dbSNP rs2552253025, ClinGen allele CA348800487.
Genomic context (GRCh38, chr2:151,656,440, plus strand): 5'-AATGGACTAATTTGGGATCATCCTCGAGACTGCGGAAACCAACCATTTTCCCCTTCCCTT[T>A]TTCATAATTGTACTTGTATTTATACTGTGAAGAAAATATGAGTTTTTACACAGAGCAATT-3'